The following is an entry in ClinVar:

NM_000219.6(KCNE1):c.115G>C (p.Asp39His)

Gene: KCNE1 (potassium voltage-gated channel subfamily E regulatory subunit 1; minus strand). Cytogenetic location: 21q22.12.
Variant type: single nucleotide variant.
Coding change: c.115G>C on transcript NM_000219.6 (MANE Select); coding-DNA position 115, G replaced by C.
Protein change: p.Asp39His; replaces aspartic acid 39 with histidine.
Molecular consequence: missense variant.
Genome position (GRCh38, 1-based): chr21:34,449,520, C>G on the plus strand (G>C on the coding strand, the complement: KCNE1 is on the minus strand). VCF-style: chr21-34449520-C-G. GRCh37 (hg19) VCF-style: chr21-35821818-C-G.
Other names: c.115G>C, p.Asp39His (NM_001127668.4, NM_001127669.4, NM_001127670.4 and 4 more transcripts); short protein forms D39H.
Identifiers: ClinVar variation 3374083 (VCV003374083.2).
Genomic context (GRCh38, chr21:34,449,520, plus strand): 5'-GGGTGAAGAAGCCGAAGAATCCCAGTACCATGAGGACGTAGAGGGCCTCCAGCTTGCCGT[C>G]ACTGCTGCGGGGGGACCTGCGGGCCAGGCCCGACATGTTGCCACCCTGCTGAACTGTCTC-3'
Protein context (NP_000210.2, residues 29-49): GLARRSPRSS[Asp39His]GKLEALYVLM

Conditions:
Long QT syndrome 5 (LQT5). Identifiers: Orphanet 101016, Orphanet 768, MedGen C1867904, MONDO:0013372, OMIM 613695.

Submission:

Roden Lab, Vanderbilt University Medical Center
No classification provided (evidence only). Condition: Long QT syndrome 5. Review status: no classification provided. Collection method: in vitro. Allele origin: not applicable. Functional consequence: Effect on ion channel function.
ClinVar note: "not provided" was previously submitted as the classification for the variant. However, the classification appeared to be based only on an observation of functional data so it was converted to no classification on 2025-07-30.